The following is an entry in ClinVar:

ClinVar aggregate classification (germline): Uncertain significance. Review status: criteria provided, multiple submitters, no conflicts (2 of 4 stars). 2 submissions from 2 submitters: Uncertain significance (2). Last evaluated 2022-07-26.

Conditions:
POLD1-related polyposis and colorectal cancer syndrome (CRCS10). Also called: Colorectal cancer 10; COLORECTAL CANCER, SUSCEPTIBILITY TO, ON CHROMOSOME 19q; Colorectal cancer, susceptibility to, 10. Identifiers: Orphanet 220460, MedGen C2675481, MONDO:0012953, OMIM 612591.

Submissions (2):

GeneDx
Classification: Uncertain significance. Last evaluated: 2022-07-26. Review status: criteria provided, single submitter. Criteria: GeneDx Variant Classification Process June 2021. Collection method: clinical testing. Allele origin: germline. Affected: yes.
Comment: Not observed at significant frequency in large population cohorts (gnomAD); Has not been previously published as pathogenic or benign to our knowledge; Some missense variants in POLD1 have been recognized as an underlying cause of Polymerase Proofreading-Associated Polyposis (PPAP); however, there are no data at this time to support that loss-of-function variants confer the same cancer risks

Labcorp Genetics (formerly Invitae), Labcorp
Classification: Uncertain significance for POLD1-related polyposis and colorectal cancer syndrome. Last evaluated: 2022-03-27. Review status: criteria provided, single submitter. Criteria: Invitae Variant Classification Sherloc (09022015). Collection method: clinical testing. Allele origin: germline.
Comment: This sequence change creates a premature translational stop signal (p.Phe128Cysfs*10) in the POLD1 gene. Missense variants that disrupt the 3'-5' exonuclease (proof-reading) activity of the POLD1 protein are associated with an increased risk for colonic adenomatous polyps and colon cancer (PMID: 23263490, 23447401). However, loss-of-function variants that result in an absent or severely disrupted POLD1 protein, and missense variants outside the exonuclease domain, are unlikely to be associated with polyposis or colon cancer. This variant is not present in population databases (gnomAD no frequency). This variant has not been reported in the literature in individuals affected with POLD1-related conditions. In summary, the available evidence is currently insufficient to determine the role of this variant in disease. Therefore, it has been classified as a Variant of Uncertain Significance.

Literature cited by the submitters: PubMed 23263490 (cited by Labcorp Genetics (formerly Invitae), Labcorp); PubMed 23447401 (cited by Labcorp Genetics (formerly Invitae), Labcorp).

NM_002691.4(POLD1):c.370_382dup (p.Phe128fs)

Gene: POLD1 (DNA polymerase delta 1, catalytic subunit; plus strand). Cytogenetic location: 19q13.33.
Variant type: Duplication.
Coding change: c.370_382dup on transcript NM_002691.4 (MANE Select); coding-DNA positions 370 to 382, 13 bases duplicated (GTGCTCCGCGCCT).
Protein change: p.Phe128fs; shifts the reading frame from phenylalanine 128.
Molecular consequence: frameshift variant. On other transcripts: non-coding transcript variant (1).
Genome position (GRCh38, 1-based): chr19:50,401,831-50,401,843, GTGCTCCGCGCCT duplicated; duplicating any 13 consecutive bases within chr19:50,401,827-50,401,843 gives the same sequence; the c. name uses the placement nearest the transcript's 3' end. VCF-style (leftmost placement, unchanged base first): chr19-50401826-T-TGCCTGTGCTCCGC. GRCh37 (hg19) VCF-style: chr19-50905083-T-TGCCTGTGCTCCGC.
Other names: c.370_382dup (NM_002691.3); c.370_382dup, p.Phe128fs (NM_001256849.1, NM_001308632.1); short protein forms F128fs.
Identifiers: ClinVar variation 2143875 (VCV002143875.7), dbSNP rs2513955545, ClinGen allele CA2580097631.